The following is an entry in ClinVar:

NM_001384140.1(PCDH15):c.2291G>A (p.Arg764His)

Gene: PCDH15 (protocadherin related 15; minus strand). Cytogenetic location: 10q21.1.
Variant type: single nucleotide variant.
Coding change: c.2291G>A on transcript NM_001384140.1 (MANE Select); coding-DNA position 2291, G replaced by A.
Protein change: p.Arg764His; replaces arginine 764 with histidine.
Molecular consequence: missense variant.
Genome position (GRCh38, 1-based): chr10:54,023,127, C>T on the plus strand (G>A on the coding strand, the complement: PCDH15 is on the minus strand). VCF-style: chr10-54023127-C-T. GRCh37 (hg19) VCF-style: chr10-55782887-C-T.
Other names: c.2306G>A, p.Arg769His (NM_001142763.2, NM_001142771.2); c.2291G>A, p.Arg764His (NM_001142764.2, NM_001142766.2, NM_001142770.3 and 5 more transcripts); c.2078G>A, p.Arg693His (NM_001142765.2); c.2180G>A, p.Arg727His (NM_001142767.2); c.2225G>A, p.Arg742His (NM_001142768.2, NM_001142773.2, NM_001354404.2); c.2327G>A, p.Arg776His (NM_001142769.4); c.2312G>A, p.Arg771His (NM_001354411.2); short protein forms R764H, R693H, R769H, R776H, R742H, R727H, R771H.
Identifiers: ClinVar variation 2149478 (VCV002149478.2), dbSNP rs375282189, ClinGen allele CA5506058.

ClinVar aggregate classification (germline): Uncertain significance. Review status: criteria provided, multiple submitters, no conflicts (2 of 4 stars). 2 submissions from 2 submitters: Uncertain significance (2). Last evaluated 2022-09-07.

Conditions:
Inborn genetic diseases. Identifiers: MedGen C0950123, MeSH D030342.

gnomAD v4.1: 13 of 1,613,604 alleles (0.00081%); highest among the groups gnomAD compares: East Asian, 0.0022%; no homozygotes.

Submissions (2):

Labcorp Genetics (formerly Invitae), Labcorp
Classification: Uncertain significance. Last evaluated: 2022-09-07. Review status: criteria provided, single submitter. Criteria: Invitae Variant Classification Sherloc (09022015). Collection method: clinical testing. Allele origin: germline.
Comment: This sequence change replaces arginine, which is basic and polar, with histidine, which is basic and polar, at codon 764 of the PCDH15 protein (p.Arg764His). This variant is present in population databases (rs375282189, gnomAD 0.01%). This variant has not been reported in the literature in individuals affected with PCDH15-related conditions. Algorithms developed to predict the effect of missense changes on protein structure and function output the following: SIFT: "Tolerated"; PolyPhen-2: "Benign"; Align-GVGD: "Class C0". The histidine amino acid residue is found in multiple mammalian species, which suggests that this missense change does not adversely affect protein function. In summary, the available evidence is currently insufficient to determine the role of this variant in disease. Therefore, it has been classified as a Variant of Uncertain Significance.

Ambry Genetics
Classification: Uncertain significance for Inborn genetic diseases. Last evaluated: 2022-05-16. Review status: criteria provided, single submitter. Criteria: Ambry Variant Classification Scheme 2023. Collection method: clinical testing. Allele origin: germline.